The following is an entry in ClinVar:

NM_001875.5(CPS1):c.3596C>A (p.Ala1199Glu)

Gene: CPS1 (carbamoyl-phosphate synthase 1; plus strand). Cytogenetic location: 2q34.
Variant type: single nucleotide variant.
Coding change: c.3596C>A on transcript NM_001875.5 (MANE Select); coding-DNA position 3596, C replaced by A.
Protein change: p.Ala1199Glu; replaces alanine 1199 with glutamic acid.
Molecular consequence: missense variant. On other transcripts: non-coding transcript variant (2).
Genome position (GRCh38, 1-based): chr2:210,656,562, C>A. VCF-style: chr2-210656562-C-A. GRCh37 (hg19) VCF-style: chr2-211521286-C-A.
Other names: NM_001875.5(CPS1):c.3596C>A; p.Ala1199Glu; c.3596C>A, p.Ala1199Glu (NM_001122633.3, NM_001369257.1); c.3629C>A, p.Ala1210Glu (NM_001369256.1); short protein forms A1199E, A1210E.
Identifiers: ClinVar variation 946777 (VCV000946777.10), dbSNP rs751372173, ClinGen allele CA350437752.

ClinVar aggregate classification (germline): Conflicting classifications of pathogenicity. Review status: criteria provided, conflicting classifications (1 of 4 stars). 2 submissions from 2 submitters: Likely pathogenic (1); Uncertain significance (1). Last evaluated 2026-03-04.

Conditions:
Congenital hyperammonemia, type I. Also called: Carbamoyl phosphate synthetase 1 deficiency; Hyperammonemia due to carbamoyl phosphate synthetase 1 deficiency; CPS 1 deficiency; Carbamyl phosphate synthetase (CPS) deficiency; Carbamoyl-phosphate synthase I deficiency; CPS I DEFICIENCY. Identifiers: Orphanet 147, MedGen C4082171, MONDO:0009376, OMIM 237300.

Submissions (2):

Broad Center for Mendelian Genomics, Broad Institute of MIT and Harvard
Classification: Likely pathogenic for Congenital hyperammonemia, type I. Last evaluated: 2026-03-04. Review status: criteria provided, single submitter. Criteria: ACMG Guidelines, 2015. Collection method: research. Allele origin: germline. Inheritance: Autosomal recessive inheritance. Study: GREGoR Consortium.
Comment: The p.Ala1199Glu variant in CPS1 has not been previously reported in individuals with carbamoyl phosphate synthetase I deficiency disease and was absent from large population studies. The variant was identified by whole genome sequencing in an individual with hyperammonemia, low citrulline, and suspected CPS1 deficiency who harbored a second likely pathogenic variant in CPS1 (Broad Institute Rare Genomes Project). This variant has been reported in ClinVar (Variation ID 946777). Computational prediction tools and conservation analyses suggest that this variant may impact the protein, though this information is not predictive enough to determine pathogenicity. In summary, although additional studies are required to fully establish its clinical significance, this variant meets criteria to be classified as likely pathogenic for autosomal recessive carbamoyl phosphate synthetase I deficiency disease. ACMG/AMP Criteria applied: PP4_strong, PP3_moderate, PM3, PM2_supporting.

Labcorp Genetics (formerly Invitae), Labcorp
Classification: Uncertain significance for Congenital hyperammonemia, type I. Last evaluated: 2024-11-11. Review status: criteria provided, single submitter. Criteria: Invitae Variant Classification Sherloc (09022015). Collection method: clinical testing. Allele origin: germline.
Comment: This sequence change replaces alanine, which is neutral and non-polar, with glutamic acid, which is acidic and polar, at codon 1199 of the CPS1 protein (p.Ala1199Glu). This variant is not present in population databases (gnomAD no frequency). This missense change has been observed in individual(s) with clinical features of CPS1-related conditions (internal data). ClinVar contains an entry for this variant (Variation ID: 946777). Invitae Evidence Modeling of protein sequence and biophysical properties (such as structural, functional, and spatial information, amino acid conservation, physicochemical variation, residue mobility, and thermodynamic stability) has been performed for this missense variant. However, the output from this modeling did not meet the statistical confidence thresholds required to predict the impact of this variant on CPS1 protein function. In summary, the available evidence is currently insufficient to determine the role of this variant in disease. Therefore, it has been classified as a Variant of Uncertain Significance.